The following is an entry in ClinVar:

NM_001009944.3(PKD1):c.10225del (p.Val3409fs)

Gene: PKD1 (polycystin 1, transient receptor potential channel interacting; minus strand). Cytogenetic location: 16p13.3.
Variant type: Deletion.
Coding change: c.10225del on transcript NM_001009944.3 (MANE Select); coding-DNA position 10225, one base deleted (G; older notation c.10225delG).
Protein change: p.Val3409fs; shifts the reading frame from valine 3409.
Molecular consequence: frameshift variant.
Genome position (GRCh38, 1-based): chr16:2,097,499, C deleted on the plus strand (G on the coding strand, the reverse complement: PKD1 is on the minus strand); the first of 2 consecutive C bases (chr16:2,097,499-2,097,500); deleting either gives the same sequence. VCF-style (leftmost placement, unchanged base first): chr16-2097498-AC-A. GRCh37 (hg19) VCF-style: chr16-2147499-AC-A.
Other names: c.10222del, p.Val3408fs (NM_000296.4); short protein forms V3408fs, V3409fs.
Identifiers: ClinVar variation 4849227 (VCV004849227.1).

ClinVar aggregate classification (germline): Pathogenic (1 of 4 stars; one submission).

Conditions:
Polycystic kidney disease, adult type (PKD1). Also called: Polycystic Kidney Disease 1, Autosomal Dominant; Polycystic kidney disease 1; Polycystic kidney disease 1, severe; POLYCYSTIC KIDNEY DISEASE 1 WITH OR WITHOUT POLYCYSTIC LIVER DISEASE; POLYCYSTIC KIDNEY DISEASE, ADULT, TYPE I; Polycystic Kidney, Autosomal Dominant. Identifiers: MedGen C3149841, MONDO:0008263, OMIM 173900.

Submission:

Division of Genetic & Genomic Pathology, Hong Kong Children's Hospital
Classification: Pathogenic for Polycystic kidney disease, adult type. Last evaluated: 2024-11-06. Review status: criteria provided, single submitter. Criteria: ACMG Guidelines, 2015. Collection method: clinical testing. Allele origin: germline. Affected: yes.
Comment: PKD1 c.10225del is a 1bp frameshift deletion located in exon 33. It creates a premature stop codon, which is predicted to cause loss of protein function through non-sense mediated mRNA decay. This variant is absent in population control databases (gnomAD v2.1.1 and v4.1.0) and clinical databases (ClinVar and HGMD Professional 2024.3). PKD1 is curated as a gene with sufficient evidence for haploinsufficiency in ClinGen. For these reasons, the variant is classified as pathogenic.